The following is an entry in ClinVar:

ClinVar aggregate classification (germline): Likely pathogenic (1 of 4 stars; one submission).

Conditions:
Ataxia-telangiectasia syndrome (AT). Also called: Immunodeficiency with ataxia telangiectasia; Ataxia-telangiectasia, complementation group D; AT, COMPLEMENTATION GROUP C; ATAXIA-TELANGIECTASIA, COMPLEMENTATION GROUP A; ATAXIA-TELANGIECTASIA, FRESNO VARIANT; Ataxia-telangiectasia. Identifiers: Orphanet 100, MedGen C0004135, MONDO:0008840, OMIM 208900.
Familial cancer of breast. Also called: BREAST CANCER, FAMILIAL; Hereditary breast cancer; hereditary breast carcinoma. Identifiers: Orphanet 227535, MedGen C0346153, MONDO:0016419, OMIM 114480. Disease mechanism: loss of function.

Submission:

Juno Genomics, Hangzhou Juno Genomics, Inc
Classification: Likely pathogenic for Familial cancer of breast; Ataxia-telangiectasia syndrome. Review status: criteria provided, single submitter. Criteria: ACMG Guidelines, 2015. Collection method: clinical testing. Allele origin: germline.
Comment: Null variant in a gene where loss of function (LOF) is a known mechanism of disease.;Absent from controls (or at extremely low frequency if recessive) in Genome Aggregation Database.

NM_000051.4(ATM):c.5826del (p.Lys1943fs)

Genes: ATM (ATM serine/threonine kinase; plus strand), C11orf65 (chromosome 11 open reading frame 65; minus strand). Cytogenetic location: 11q22.3.
Variant type: Deletion.
Coding change: c.5826del on transcript NM_000051.4 (MANE Select); coding-DNA position 5826, one base deleted (C; older notation c.5826delC).
Protein change: p.Lys1943fs; shifts the reading frame from lysine 1943.
Molecular consequence: frameshift variant. On other transcripts: intron variant (2).
Genome position (GRCh38, 1-based): chr11:108,310,223, C deleted; the last of 2 consecutive C bases (chr11:108,310,222-108,310,223); deleting either gives the same sequence. VCF-style (leftmost placement, unchanged base first): chr11-108310221-GC-G. GRCh37 (hg19) VCF-style: chr11-108180948-GC-G.
Other names: c.5826del, p.Lys1943fs (NM_001351834.2); c.641-1151del (NM_001330368.2); c.*39-1151del (NM_001351110.2); short protein forms K1943fs.
Identifiers: ClinVar variation 5007770 (VCV005007770.2).
Genomic context (GRCh38, chr11:108,310,221, plus strand): 5'-CCTTCTTCAGGAACAATTTTTAATGATGCTTTCTGGCTGGATTTAAATTATCTAGAAGTT[GC>G]CAAGGTAGCTCAGTCTTGTGCTGCTCACTTTACAGCTTTACTCTATGCAGAAATCTATGC-3'